The following is an entry in ClinVar:

ClinVar aggregate classification (germline): Uncertain significance (1 of 4 stars; one submission).

Allele frequency attached by ClinVar (database versions not stated): gnomAD exomes below 0.00001; ExAC 0.00001.
gnomAD v4.1: 1 of 1,614,100 alleles (0.000062%); highest among the groups gnomAD compares: Admixed American, 0.0017%; no homozygotes.

Submission:

Labcorp Genetics (formerly Invitae), Labcorp
Classification: Uncertain significance. Last evaluated: 2022-02-18. Review status: criteria provided, single submitter. Criteria: Invitae Variant Classification Sherloc (09022015). Collection method: clinical testing. Allele origin: germline.
Comment: This sequence change replaces aspartic acid, which is acidic and polar, with asparagine, which is neutral and polar, at codon 648 of the ELP1 protein (p.Asp648Asn). This variant is present in population databases (rs765342029, gnomAD 0.003%). This variant has not been reported in the literature in individuals affected with ELP1-related conditions. Algorithms developed to predict the effect of missense changes on protein structure and function output the following: SIFT: "Tolerated"; PolyPhen-2: "Benign"; Align-GVGD: "Class C0". The asparagine amino acid residue is found in multiple mammalian species, which suggests that this missense change does not adversely affect protein function. In summary, the available evidence is currently insufficient to determine the role of this variant in disease. Therefore, it has been classified as a Variant of Uncertain Significance.

NM_003640.5(ELP1):c.1942G>A (p.Asp648Asn)

Gene: ELP1 (elongator acetyltransferase complex subunit 1; minus strand). Cytogenetic location: 9q31.3.
Variant type: single nucleotide variant.
Coding change: c.1942G>A on transcript NM_003640.5 (MANE Select); coding-DNA position 1942, G replaced by A.
Protein change: p.Asp648Asn; replaces aspartic acid 648 with asparagine.
Molecular consequence: missense variant.
Genome position (GRCh38, 1-based): chr9:108,901,497, C>T on the plus strand (G>A on the coding strand, the complement: ELP1 is on the minus strand). VCF-style: chr9-108901497-C-T. GRCh37 (hg19) VCF-style: chr9-111663777-C-T.
Other names: c.1600G>A, p.Asp534Asn (NM_001318360.2); c.895G>A, p.Asp299Asn (NM_001330749.2); short protein forms D534N, D299N, D648N.
Identifiers: ClinVar variation 2077154 (VCV002077154.4), dbSNP rs765342029, ClinGen allele CA5174830.